The following is an entry in ClinVar:

ClinVar aggregate classification (germline): Benign. Review status: criteria provided, multiple submitters, no conflicts (2 of 4 stars). 3 submissions from 3 submitters: Benign (3). Last evaluated 2018-08-25.

Conditions:
Autoimmune lymphoproliferative syndrome type 2B. Also called: AUTOIMMUNE LYMPHOPROLIFERATIVE SYNDROME, TYPE IIB. Identifiers: Orphanet 275517, MedGen C1846545, MONDO:0011804, OMIM 607271.

Allele frequency attached by ClinVar (database versions not stated): TOPMed 0.52244; 1000 Genomes Project 30x 0.54591; gnomAD 0.55328; 1000 Genomes Project 0.55431; gnomAD exomes 0.60798.
gnomAD v4.1: 476,716 of 802,380 alleles (59%); highest among the groups gnomAD compares: East Asian, 67%; 144,232 homozygotes.

Submissions (3):

GeneDx
Classification: Benign. Last evaluated: 2018-08-25. Review status: criteria provided, single submitter. Criteria: GeneDx Variant Classification Process June 2021. Collection method: clinical testing. Allele origin: germline. Affected: yes.

Illumina Laboratory Services, Illumina
Classification: Benign for Autoimmune lymphoproliferative syndrome type 2B. Last evaluated: 2018-01-13. Review status: criteria provided, single submitter. Criteria: ICSL Variant Classification Criteria 13 December 2019. Collection method: clinical testing. Allele origin: germline.
Comment: This variant was observed in the ICSL laboratory as part of a predisposition screen in an ostensibly healthy population. It had not been previously curated by ICSL or reported in the Human Gene Mutation Database (HGMD: prior to June 1st, 2018), and was therefore a candidate for classification through an automated scoring system. Utilizing variant allele frequency, disease prevalence and penetrance estimates, and inheritance mode, an automated score was calculated to assess if this variant is too frequent to cause the disease. Based on the score and internal cut-off values, a variant classified as benign is not then subjected to further curation. The score for this variant resulted in a classification of benign for this disease.

Breakthrough Genomics
Classification: Benign. Review status: criteria provided, single submitter. Criteria: ACMG Guidelines, 2015. Collection method: not provided. Allele origin: germline. Inheritance: Autosomal recessive inheritance. Affected: yes.

NM_001372051.1(CASP8):c.*122G>C

Gene: CASP8 (caspase 8; plus strand). Cytogenetic location: 2q33.1.
Variant type: single nucleotide variant.
Coding change: c.*122G>C on transcript NM_001372051.1 (MANE Select); 122 bases downstream of the stop codon, G replaced by C.
Molecular consequence: 3 prime UTR variant. On other transcripts: non-coding transcript variant (22).
Genome position (GRCh38, 1-based): chr2:201,286,716, G>C. VCF-style: chr2-201286716-G-C. GRCh37 (hg19) VCF-style: chr2-202151439-G-C.
Other names: c.*122G>C (NM_001080124.2, NM_001080125.2, NM_001228.5 and 35 more transcripts).
Identifiers: ClinVar variation 333513 (VCV000333513.9), dbSNP rs3185378, ClinGen allele CA10612401.